The following is an entry in ClinVar:

ClinVar aggregate classification (germline): Likely pathogenic (1 of 4 stars; one submission).

Conditions:
alpha Thalassemia. Also called: Alpha thalassemia spectrum. Identifiers: Orphanet 846, MedGen C0002312, MONDO:0011399, OMIM 604131.

Submission:

Natera, Inc.
Classification: Likely pathogenic for Alpha thalassemia. Last evaluated: 2025-09-04. Review status: criteria provided, single submitter. Criteria: Natera Variant Classification Schema (03/2026). Collection method: clinical testing. Allele origin: germline.
Comment: The c.429A>T variant in HBA1 is a stop-loss variant predicted to disrupt the normal termination codon and extend translation beyond the canonical stop site. This variant is rare in the general population with a frequency below the threshold expected for the associated phenotype(s). Given the available evidence, this variant is classified as Likely Pathogenic.

NM_000558.5(HBA1):c.429A>T (p.Ter143Tyr)

Genes: HBA1 (hemoglobin subunit alpha 1; plus strand), LOC106804613 (hemoglobin subunit alpha 1 recombination region; plus strand). Cytogenetic location: 16p13.3.
Variant type: single nucleotide variant.
Coding change: c.429A>T on transcript NM_000558.5 (MANE Select); coding-DNA position 429, A replaced by T.
Protein change: p.Ter143Tyr.
Molecular consequence: stop lost.
Genome position (GRCh38, 1-based): chr16:177,411, A>T. VCF-style: chr16-177411-A-T. GRCh37 (hg19) VCF-style: chr16-227410-A-T.
Identifiers: ClinVar variation 4814411 (VCV004814411.1).